The following is an entry in ClinVar:

ClinVar aggregate classification (germline): Conflicting classifications of pathogenicity. Review status: criteria provided, conflicting classifications (1 of 4 stars). 2 submissions from 2 submitters: Uncertain significance (1); Likely benign (1). Last evaluated 2024-01-22.

Conditions:
Inborn genetic diseases. Identifiers: MedGen C0950123, MeSH D030342.

Allele frequency attached by ClinVar (database versions not stated): gnomAD exomes 0.00001 and 0.00002; gnomAD 0.00002; ExAC 0.00003.
gnomAD v4.1: 21 of 1,593,754 alleles (0.0013%); highest among the groups gnomAD compares: South Asian, 0.018%; no homozygotes.

Submissions (2):

Labcorp Genetics (formerly Invitae), Labcorp
Classification: Likely benign. Last evaluated: 2024-01-22. Review status: criteria provided, single submitter. Criteria: Invitae Variant Classification Sherloc (09022015). Collection method: clinical testing. Allele origin: germline.

Ambry Genetics
Classification: Uncertain significance for Inborn genetic diseases. Last evaluated: 2016-12-19. Review status: criteria provided, single submitter. Criteria: Ambry Variant Classification Scheme 2023. Collection method: clinical testing. Allele origin: germline.
Comment: The c.1223-5C>T intronic variant results from a C to T substitution 5 nucleotides upstream from coding exon 12 in the CC2D1A gene. This nucleotide position is not well conserved in available vertebrate species. Using the BDGP and ESEfinder splice site prediction tools, this alteration is not predicted to have any significant effect on this splice acceptor site; however, direct evidence is unavailable. Since supporting evidence is limited at this time, the clinical significance of this variant remains unclear.

NM_017721.5(CC2D1A):c.1223-5C>T

Gene: CC2D1A (coiled-coil and C2 domain containing 1A; plus strand). Cytogenetic location: 19p13.12.
Variant type: single nucleotide variant.
Coding change: c.1223-5C>T on transcript NM_017721.5 (MANE Select); 5 bases into the intron before coding-DNA position 1223, C replaced by T.
Molecular consequence: intron variant.
Genome position (GRCh38, 1-based): chr19:13,919,813, C>T. VCF-style: chr19-13919813-C-T. GRCh37 (hg19) VCF-style: chr19-14030626-C-T.
Identifiers: ClinVar variation 588595 (VCV000588595.8), dbSNP rs781070707, ClinGen allele CA9244614.